The following is an entry in ClinVar:

ClinVar aggregate classification (germline): Uncertain significance (1 of 4 stars; one submission).

Submission:

Labcorp Genetics (formerly Invitae), Labcorp
Classification: Uncertain significance. Last evaluated: 2023-01-12. Review status: criteria provided, single submitter. Criteria: Invitae Variant Classification Sherloc (09022015). Collection method: clinical testing. Allele origin: germline.
Comment: This sequence change replaces threonine, which is neutral and polar, with lysine, which is basic and polar, at codon 747 of the ADGRA3 protein (p.Thr747Lys). This variant is not present in population databases (gnomAD no frequency). This variant has not been reported in the literature in individuals affected with ADGRA3-related conditions. Algorithms developed to predict the effect of missense changes on protein structure and function are either unavailable or do not agree on the potential impact of this missense change (SIFT: "Deleterious"; PolyPhen-2: "Benign"; Align-GVGD: "Class C0"). In summary, the available evidence is currently insufficient to determine the role of this variant in disease. Therefore, it has been classified as a Variant of Uncertain Significance.

NM_145290.4(ADGRA3):c.2240C>A (p.Thr747Lys)

Gene: ADGRA3 (adhesion G protein-coupled receptor A3; minus strand). Cytogenetic location: 4p15.2.
Variant type: single nucleotide variant.
Coding change: c.2240C>A on transcript NM_145290.4 (MANE Select); coding-DNA position 2240, C replaced by A.
Protein change: p.Thr747Lys; replaces threonine 747 with lysine.
Molecular consequence: missense variant.
Genome position (GRCh38, 1-based): chr4:22,402,792, G>T on the plus strand (C>A on the coding strand, the complement: ADGRA3 is on the minus strand). VCF-style: chr4-22402792-G-T. GRCh37 (hg19) VCF-style: chr4-22404415-G-T.
Other names: short protein forms T747K.
Identifiers: ClinVar variation 2827895 (VCV002827895.3), dbSNP rs767983432, ClinGen allele CA356478064.